The following is an entry in ClinVar:

NM_173648.4(CCDC141):c.2299G>A (p.Asp767Asn)

Gene: CCDC141 (coiled-coil domain containing 141; minus strand). Cytogenetic location: 2q31.2.
Variant type: single nucleotide variant.
Coding change: c.2299G>A on transcript NM_173648.4 (MANE Select); coding-DNA position 2299, G replaced by A.
Protein change: p.Asp767Asn; replaces aspartic acid 767 with asparagine.
Molecular consequence: missense variant.
Genome position (GRCh38, 1-based): chr2:178,869,212, C>T on the plus strand (G>A on the coding strand, the complement: CCDC141 is on the minus strand). VCF-style: chr2-178869212-C-T. GRCh37 (hg19) VCF-style: chr2-179733939-C-T.
Other names: short protein forms D767N.
Identifiers: ClinVar variation 638188 (VCV000638188.37), dbSNP rs141939661, ClinGen allele CA2007066.

ClinVar aggregate classification (germline): Conflicting classifications of pathogenicity. Review status: criteria provided, conflicting classifications (1 of 4 stars). 7 submissions from 7 submitters: Uncertain significance (1); Likely benign (4). 2 of the submissions do not count toward it. Last evaluated 2026-08-01.

Conditions:
CCDC141-related disorder. Also called: CCDC141-related condition.
Hypogonadotropic hypogonadism 7 with or without anosmia (HH7). Also called: HYPOGONADOTROPIC HYPOGONADISM 7 WITHOUT ANOSMIA; GNRHR-Related GnRH Deficiency. Identifiers: Orphanet 432, MedGen C0342384, MONDO:0007794, OMIM 146110.

Allele frequency attached by ClinVar (database versions not stated): 1000 Genomes Project 0.00120; 1000 Genomes Project 30x 0.00141; TOPMed 0.00328; gnomAD 0.00367; gnomAD exomes 0.00368; ExAC 0.00392; ESP Exome Variant Server 0.00600.
gnomAD v4.1: 9,220 of 1,613,642 alleles (0.57%); highest among the groups gnomAD compares: Non-Finnish European, 0.72%; 35 homozygotes.

Submissions (7):

CeGaT Center for Human Genetics Tuebingen
Classification: Likely benign. Last evaluated: 2026-08-01. Review status: criteria provided, single submitter. Criteria: CeGaT Center For Human Genetics Tuebingen Variant Classification Criteria Version 2. Collection method: clinical testing. Allele origin: germline. Affected: yes. Observed: 7 variant alleles.
Comment: CCDC141: BP4, BS2

Labcorp Genetics (formerly Invitae), Labcorp
Classification: Likely benign. Last evaluated: 2026-01-18. Review status: criteria provided, single submitter. Criteria: Invitae Variant Classification Sherloc (09022015). Collection method: clinical testing. Allele origin: germline.

Women's Health and Genetics/Laboratory Corporation of America, LabCorp
Classification: Likely benign. Last evaluated: 2025-05-20. Review status: criteria provided, single submitter. Criteria: LabCorp Variant Classification Summary - May 2015. Collection method: clinical testing. Allele origin: germline.
Comment: Variant summary: CCDC141 c.2299G>A (p.Asp767Asn) results in a conservative amino acid change in the encoded protein sequence. Algorithms developed to predict the effect of missense changes on protein structure and function all suggest that this variant is likely to be tolerated. The variant allele was found at a frequency of 0.0057 in 1613642 control chromosomes in the gnomAD database, including 35 homozygotes. The observed variant frequency exceeds the estimated maximal expected allele frequency for a pathogenic variant in CCDC141 causing CCDC141-Related Disorders phenotype. c.2299G>A has been reported in the literature in individuals affected with disorders of sexual development without strong evidence of causality (Saengkaew_2021, Gach_2022, Globa_2022). These reports do not provide unequivocal conclusions about association of the variant with CCDC141-Related Disorders. At least one publication reports experimental evidence evaluating an impact on protein function, however, it does not allow convincing conclusions about the variant effect (Saengkaew_2021). The following publications have been ascertained in the context of this evaluation (PMID: 35432193, 34930920, 35316923). ClinVar contains an entry for this variant (Variation ID: 638188). Based on the evidence outlined above, the variant was classified as likely benign.

Center for Genomic Medicine, Rigshospitalet, Copenhagen University Hospital
Classification: Uncertain significance. Last evaluated: 2025-03-04. Review status: criteria provided, single submitter. Criteria: ACMG Guidelines, 2015. Collection method: clinical testing. Allele origin: germline.

Breakthrough Genomics
Classification: Likely benign. Review status: criteria provided, single submitter. Criteria: ACMG Guidelines, 2015. Collection method: not provided. Allele origin: germline. Inheritance: Unknown mechanism. Affected: yes.

PreventionGenetics, part of Exact Sciences
Classification: Likely benign for CCDC141-related condition. Last evaluated: 2019-07-08. Review status: no assertion criteria provided. Collection method: clinical testing. Allele origin: germline. Not counted in ClinVar's aggregate classification.
Comment: This variant is classified as likely benign based on ACMG/AMP sequence variant interpretation guidelines (Richards et al. 2015 PMID: 25741868, with internal and published modifications).

Genetics Department, Polish Mother's Memorial Hospital Research Institute
Classification: Uncertain significance for Hypogonadotropic hypogonadism. Last evaluated: 2019-06-11. Review status: no assertion criteria provided. Collection method: research. Allele origin: maternal. Affected: yes. Not counted in ClinVar's aggregate classification.
Comment: variant was observed in combination with two variants in POLR3B gene (compound heterozygote,ClinVar: RCV000372557.2 and ClinVar: RCV00760972 ) in digenic pattern of inheritance for idiopatic hypogonadotropic hypogonadism/Kallmann syndrome

Literature cited by the submitters: PubMed 35432193 (cited by Women's Health and Genetics/Laboratory Corporation of America, LabCorp); PubMed 35316923 (cited by Women's Health and Genetics/Laboratory Corporation of America, LabCorp); PubMed 34930920 (cited by Women's Health and Genetics/Laboratory Corporation of America, LabCorp and Center for Genomic Medicine, Rigshospitalet, Copenhagen University Hospital); PubMed 32520725 (cited by Center for Genomic Medicine, Rigshospitalet, Copenhagen University Hospital); PubMed 28324054 (cited by Center for Genomic Medicine, Rigshospitalet, Copenhagen University Hospital).